The following is an entry in ClinVar:

ClinVar aggregate classification (germline): Uncertain significance. Review status: criteria provided, multiple submitters, no conflicts (2 of 4 stars). 2 submissions from 2 submitters: Uncertain significance (2). Last evaluated 2025-06-17.

Conditions:
LMX1A-related disorder. Also called: LMX1A-related condition.

gnomAD v4.1: 5 of 1,611,840 alleles (0.00031%); highest among the groups gnomAD compares: Non-Finnish European, 0.00034%; no homozygotes.

Submissions (2):

PreventionGenetics, part of Exact Sciences
Classification: Uncertain significance for LMX1A-related condition. Last evaluated: 2025-06-17. Review status: criteria provided, single submitter. Criteria: ACMG Guidelines, 2015. Collection method: clinical testing. Allele origin: germline.
Comment: The LMX1A c.743C>T variant is predicted to result in the amino acid substitution p.Ala248Val. To our knowledge, this variant has not been reported in the literature. This variant is reported in 0.0015% of alleles in individuals of European (Non-Finnish) descent in gnomAD. At this time, the clinical significance of this variant is uncertain due to the absence of conclusive functional and genetic evidence.

Blueprint Genetics
Classification: Uncertain significance. Last evaluated: 2021-03-05. Review status: criteria provided, single submitter. Criteria: ACMG Guidelines, 2015. Collection method: clinical testing. Allele origin: germline.

NM_177398.4(LMX1A):c.743C>T (p.Ala248Val)

Genes: LMX1A (LIM homeobox transcription factor 1 alpha; minus strand), LMX1A-AS2 (LMX1A antisense RNA 2; plus strand). Cytogenetic location: 1q23.3.
Variant type: single nucleotide variant.
Coding change: c.743C>T on transcript NM_177398.4 (MANE Select); coding-DNA position 743, C replaced by T.
Protein change: p.Ala248Val; replaces alanine 248 with valine.
Molecular consequence: missense variant.
Genome position (GRCh38, 1-based): chr1:165,210,703, G>A on the plus strand (C>T on the coding strand, the complement: LMX1A is on the minus strand). VCF-style: chr1-165210703-G-A. GRCh37 (hg19) VCF-style: chr1-165179940-G-A.
Other names: c.743C>T (NM_001174069.1); c.743C>T, p.Ala248Val (NM_001174069.2); short protein forms A248V.
Identifiers: ClinVar variation 4920326 (VCV004920326.2).